The following is an entry in ClinVar:

NM_031407.7(HUWE1):c.1744A>G (p.Thr582Ala)

Gene: HUWE1 (HECT, UBA and WWE domain containing E3 ubiquitin protein ligase 1; minus strand). Cytogenetic location: Xp11.22.
Variant type: single nucleotide variant.
Coding change: c.1744A>G on transcript NM_031407.7 (MANE Select); coding-DNA position 1744, A replaced by G.
Protein change: p.Thr582Ala; replaces threonine 582 with alanine.
Molecular consequence: missense variant.
Genome position (GRCh38, 1-based): chrX:53,617,375, T>C on the plus strand (A>G on the coding strand, the complement: HUWE1 is on the minus strand). VCF-style: chrX-53617375-T-C. GRCh37 (hg19) VCF-style: chrX-53644336-T-C.
Other names: c.1744A>G, p.Thr582Ala (NM_001441048.1, NM_001441049.1, NM_001441051.1 and 6 more transcripts); c.1765A>G, p.Thr589Ala (NM_001441050.1, NM_001441055.1); short protein forms T582A, T589A.
Identifiers: ClinVar variation 5017683 (VCV005017683.1).

ClinVar aggregate classification (germline): Uncertain significance (1 of 4 stars; one submission).

Submission:

GeneDx
Classification: Uncertain significance. Last evaluated: 2026-03-30. Review status: criteria provided, single submitter. Criteria: GeneDx Variant Classification Process June 2021. Collection method: clinical testing. Allele origin: germline.
Comment: Not observed at significant frequency in large population cohorts (gnomAD); In silico analysis supports that this missense variant has a deleterious effect on protein structure/function; Has not been previously published as pathogenic or benign to our knowledge